The following is an entry in ClinVar:

NM_020964.3(EPG5):c.4823A>G (p.His1608Arg)

Gene: EPG5 (ectopic P-granules 5 autophagy tethering factor; minus strand). Cytogenetic location: 18q12.3.
Variant type: single nucleotide variant.
Coding change: c.4823A>G on transcript NM_020964.3 (MANE Select); coding-DNA position 4823, A replaced by G.
Protein change: p.His1608Arg; replaces histidine 1608 with arginine.
Molecular consequence: missense variant.
Genome position (GRCh38, 1-based): chr18:45,889,927, T>C on the plus strand (A>G on the coding strand, the complement: EPG5 is on the minus strand). VCF-style: chr18-45889927-T-C. GRCh37 (hg19) VCF-style: chr18-43469892-T-C.
Other names: c.4823A>G, p.His1608Arg (NM_001410858.1, NM_001410859.1); short protein forms H1608R.
Identifiers: ClinVar variation 2055814 (VCV002055814.2), dbSNP rs1426923295, ClinGen allele CA402347217.

ClinVar aggregate classification (germline): Uncertain significance (1 of 4 stars; one submission).

Conditions:
Vici syndrome (VICIS). Identifiers: Orphanet 1493, MedGen C1855772, MONDO:0009452, OMIM 242840.

Allele frequency attached by ClinVar (database versions not stated): gnomAD 0.00001; gnomAD exomes 0.00001.
gnomAD v4.1: 14 of 1,596,200 alleles (0.00088%); highest among the groups gnomAD compares: Admixed American, 0.0034%; no homozygotes.

Submission:

Labcorp Genetics (formerly Invitae), Labcorp
Classification: Uncertain significance for Vici syndrome. Last evaluated: 2022-08-21. Review status: criteria provided, single submitter. Criteria: Invitae Variant Classification Sherloc (09022015). Collection method: clinical testing. Allele origin: germline.
Comment: In summary, the available evidence is currently insufficient to determine the role of this variant in disease. Therefore, it has been classified as a Variant of Uncertain Significance. Algorithms developed to predict the effect of missense changes on protein structure and function (SIFT, PolyPhen-2, Align-GVGD) all suggest that this variant is likely to be tolerated. This variant has not been reported in the literature in individuals affected with EPG5-related conditions. This variant is present in population databases (no rsID available, gnomAD 0.0009%). This sequence change replaces histidine, which is basic and polar, with arginine, which is basic and polar, at codon 1608 of the EPG5 protein (p.His1608Arg).